The following is an entry in ClinVar:

NM_001378414.1(HDAC4):c.73G>A (p.Val25Met)

Gene: HDAC4 (histone deacetylase 4; minus strand). Cytogenetic location: 2q37.3.
Variant type: single nucleotide variant.
Coding change: c.73G>A on transcript NM_001378414.1 (MANE Select); coding-DNA position 73, G replaced by A.
Protein change: p.Val25Met; replaces valine 25 with methionine.
Molecular consequence: missense variant.
Genome position (GRCh38, 1-based): chr2:239,236,614, C>T on the plus strand (G>A on the coding strand, the complement: HDAC4 is on the minus strand). VCF-style: chr2-239236614-C-T. GRCh37 (hg19) VCF-style: chr2-240158310-C-T.
Other names: c.73G>A, p.Val25Met (NM_001378417.1, NM_006037.4, NM_001378415.1 and 1 more transcripts); short protein forms V25M.
Identifiers: ClinVar variation 3366833 (VCV003366833.1).

ClinVar aggregate classification (germline): Uncertain significance (1 of 4 stars; one submission).

gnomAD v4.1: 9 of 1,551,608 alleles (0.00058%); highest among the groups gnomAD compares: South Asian, 0.0012%; no homozygotes.

Submission:

Women's Health and Genetics/Laboratory Corporation of America, LabCorp
Classification: Uncertain significance. Last evaluated: 2024-08-13. Review status: criteria provided, single submitter. Criteria: LabCorp Variant Classification Summary - May 2015. Collection method: clinical testing. Allele origin: germline.
Comment: Variant summary: HDAC4 c.73G>A (p.Val25Met) results in a conservative amino acid change in the encoded protein sequence. Four of five in-silico tools predict a benign effect of the variant on protein function. The frequency data for this variant in gnomAD is considered unreliable, as metrics indicate poor data quality at this position. To our knowledge, no occurrence of c.73G>A in individuals affected with Neurodevelopmental Disorder With Central Hypotonia And Dysmorphic Facies and no experimental evidence demonstrating its impact on protein function have been reported. No submitters have cited clinical-significance assessments for this variant to ClinVar. Based on the evidence outlined above, the variant was classified as uncertain significance.